The following is an entry in ClinVar:

NM_001136193.2(FASTKD2):c.68C>A (p.Ser23Tyr)

Gene: FASTKD2 (FAST kinase domains 2; plus strand). Cytogenetic location: 2q33.3.
Variant type: single nucleotide variant.
Coding change: c.68C>A on transcript NM_001136193.2 (MANE Select); coding-DNA position 68, C replaced by A.
Protein change: p.Ser23Tyr; replaces serine 23 with tyrosine.
Molecular consequence: missense variant.
Genome position (GRCh38, 1-based): chr2:206,766,761, C>A. VCF-style: chr2-206766761-C-A. GRCh37 (hg19) VCF-style: chr2-207631485-C-A.
Other names: c.68C>A, p.Ser23Tyr (NM_001136194.2, NM_014929.4); short protein forms S23Y.
Identifiers: ClinVar variation 2025982 (VCV002025982.4), dbSNP rs2469460889, ClinGen allele CA350068062.

ClinVar aggregate classification (germline): Uncertain significance (1 of 4 stars; one submission).

Submission:

Labcorp Genetics (formerly Invitae), Labcorp
Classification: Uncertain significance. Last evaluated: 2024-10-25. Review status: criteria provided, single submitter. Criteria: Invitae Variant Classification Sherloc (09022015). Collection method: clinical testing. Allele origin: germline.
Comment: This sequence change replaces serine, which is neutral and polar, with tyrosine, which is neutral and polar, at codon 23 of the FASTKD2 protein (p.Ser23Tyr). This variant is not present in population databases (gnomAD no frequency). This variant has not been reported in the literature in individuals affected with FASTKD2-related conditions. ClinVar contains an entry for this variant (Variation ID: 2025982). An algorithm developed to predict the effect of missense changes on protein structure and function (PolyPhen-2) suggests that this variant is likely to be disruptive. In summary, the available evidence is currently insufficient to determine the role of this variant in disease. Therefore, it has been classified as a Variant of Uncertain Significance.